The following is an entry in ClinVar:

ClinVar aggregate classification (germline): Uncertain significance (1 of 4 stars; one submission).

Submission:

GeneDx
Classification: Uncertain significance. Last evaluated: 2024-01-19. Review status: criteria provided, single submitter. Criteria: GeneDx Variant Classification Process June 2021. Collection method: clinical testing. Allele origin: germline. Affected: yes.
Comment: Not observed at significant frequency in large population cohorts (gnomAD); In silico analysis supports that this missense variant has a deleterious effect on protein structure/function; Has not been previously published as pathogenic or benign to our knowledge

NM_001144967.3(NEDD4L):c.2296A>G (p.Asn766Asp)

Gene: NEDD4L (NEDD4 like E3 ubiquitin protein ligase; plus strand). Cytogenetic location: 18q21.31.
Variant type: single nucleotide variant.
Coding change: c.2296A>G on transcript NM_001144967.3 (MANE Select); coding-DNA position 2296, A replaced by G.
Protein change: p.Asn766Asp; replaces asparagine 766 with aspartic acid.
Molecular consequence: missense variant.
Genome position (GRCh38, 1-based): chr18:58,373,213, A>G. VCF-style: chr18-58373213-A-G. GRCh37 (hg19) VCF-style: chr18-56040445-A-G.
Other names: c.1933A>G, p.Asn645Asp (NM_001144964.1, NM_001144965.2, NM_001144966.3); c.2272A>G, p.Asn758Asp (NM_001144968.2); c.2212A>G, p.Asn738Asp (NM_001144969.2); c.1873A>G, p.Asn625Asp (NM_001144970.3, NM_001144971.2); c.2104A>G, p.Asn702Asp (NM_001243960.2); c.2236A>G, p.Asn746Asp (NM_015277.6); short protein forms N625D, N645D, N702D, N738D, N746D, N758D, N766D.
Identifiers: ClinVar variation 3367372 (VCV003367372.1).